The following is an entry in ClinVar:

ClinVar aggregate classification (germline): Uncertain significance. Review status: criteria provided, multiple submitters, no conflicts (2 of 4 stars). 2 submissions from 2 submitters: Uncertain significance (2). Last evaluated 2025-07-22.

Conditions:
Neuropathy, hereditary sensory and autonomic, type 2A (HSAN2A). Also called: ACROOSTEOLYSIS, GIACCAI TYPE; ACROOSTEOLYSIS, NEUROGENIC; HSAN IIA; MORVAN DISEASE; NEUROPATHY, CONGENITAL SENSORY; NEUROPATHY, HEREDITARY SENSORY RADICULAR, AUTOSOMAL RECESSIVE. Identifiers: Orphanet 970, MedGen C2752089, MONDO:0024309, OMIM 201300.
Pseudohypoaldosteronism type 2C (PHA2C). Also called: Pseudohypoaldosteronism Type IIC. Identifiers: Orphanet 757, Orphanet 88940, MedGen C1840391, MONDO:0013778, OMIM 614492.

Allele frequency attached by ClinVar (database versions not stated): TOPMed 0.00001; gnomAD exomes 0.00002 and 0.00006; gnomAD 0.00004.
gnomAD v4.1: 83 of 1,517,952 alleles (0.0055%); highest among the groups gnomAD compares: Non-Finnish European, 0.007%; no homozygotes.

Submissions (2):

Labcorp Genetics (formerly Invitae), Labcorp
Classification: Uncertain significance for Neuropathy, hereditary sensory and autonomic, type 2A; Pseudohypoaldosteronism type 2C. Last evaluated: 2025-07-22. Review status: criteria provided, single submitter. Criteria: Invitae Variant Classification Sherloc (09022015). Collection method: clinical testing. Allele origin: germline.
Comment: This sequence change replaces methionine, which is neutral and non-polar, with valine, which is neutral and non-polar, at codon 720 of the WNK1 protein (p.Met720Val). This variant is present in population databases (rs752135045, gnomAD 0.003%). This variant has not been reported in the literature in individuals affected with WNK1-related conditions. ClinVar contains an entry for this variant (Variation ID: 848009). Invitae Evidence Modeling of protein sequence and biophysical properties (such as structural, functional, and spatial information, amino acid conservation, physicochemical variation, residue mobility, and thermodynamic stability) indicates that this missense variant is not expected to disrupt WNK1 protein function with a negative predictive value of 95%. In summary, the available evidence is currently insufficient to determine the role of this variant in disease. Therefore, it has been classified as a Variant of Uncertain Significance.

CeGaT Center for Human Genetics Tuebingen
Classification: Uncertain significance. Last evaluated: 2025-01-01. Review status: criteria provided, single submitter. Criteria: CeGaT Center For Human Genetics Tuebingen Variant Classification Criteria Version 2. Collection method: clinical testing. Allele origin: germline. Affected: yes. Observed: 1 variant allele.
Comment: WNK1: PM2, BP4

NM_213655.5(WNK1):c.2158A>G (p.Met720Val)

Gene: WNK1 (WNK lysine deficient protein kinase 1; plus strand). Cytogenetic location: 12p13.33.
Variant type: single nucleotide variant.
Coding change: c.2158A>G on transcript NM_213655.5 (MANE Plus Clinical); coding-DNA position 2158, A replaced by G.
Protein change: p.Met720Val; replaces methionine 720 with valine.
Molecular consequence: missense variant. On other transcripts: intron variant (3).
Genome position (GRCh38, 1-based): chr12:865,128, A>G. VCF-style: chr12-865128-A-G. GRCh37 (hg19) VCF-style: chr12-974294-A-G.
Other names: c.2140-2738A>G (NM_001184985.2); c.2139+2858A>G (NM_018979.4, NM_014823.3); short protein forms M720V.
Identifiers: ClinVar variation 848009 (VCV000848009.22), dbSNP rs752135045, ClinGen allele CA231495112.